The following is an entry in ClinVar:

NM_014844.5(TECPR2):c.348+256T>C

Gene: TECPR2 (tectonin beta-propeller repeat containing 2; plus strand). Cytogenetic location: 14q32.31.
Variant type: single nucleotide variant.
Coding change: c.348+256T>C on transcript NM_014844.5 (MANE Select); 256 bases into the intron after coding-DNA position 348, T replaced by C.
Molecular consequence: intron variant.
Genome position (GRCh38, 1-based): chr14:102,407,722, T>C. VCF-style: chr14-102407722-T-C. GRCh37 (hg19) VCF-style: chr14-102874059-T-C.
Other names: c.348+256T>C (NM_001172631.3).
Identifiers: ClinVar variation 672347 (VCV000672347.1), dbSNP rs138413687, ClinGen allele CA267065649.

ClinVar aggregate classification (germline): Likely benign (1 of 4 stars; one submission).

Allele frequency attached by ClinVar (database versions not stated): gnomAD 0.03718 and 0.03743; TOPMed 0.03855; 1000 Genomes Project 30x 0.03873; 1000 Genomes Project 0.03954.
gnomAD v4.1: 5,715 of 151,802 alleles (3.8%); highest among the groups gnomAD compares: Middle Eastern, 9.2%; 122 homozygotes.

Submission:

GeneDx
Classification: Likely benign. Last evaluated: 2018-06-14. Review status: criteria provided, single submitter. Criteria: GeneDx Variant Classification (06012015). Collection method: clinical testing. Allele origin: germline. Affected: yes.
Comment: This variant is considered likely benign or benign based on one or more of the following criteria: it is a conservative change, it occurs at a poorly conserved position in the protein, it is predicted to be benign by multiple in silico algorithms, and/or has population frequency not consistent with disease.